The following is an entry in ClinVar:

NM_201384.3(PLEC):c.4802T>A (p.Val1601Glu)

Gene: PLEC (plectin; minus strand). Cytogenetic location: 8q24.3.
Variant type: single nucleotide variant.
Coding change: c.4802T>A on transcript NM_201384.3 (MANE Select); coding-DNA position 4802, T replaced by A.
Protein change: p.Val1601Glu; replaces valine 1601 with glutamic acid.
Molecular consequence: missense variant.
Genome position (GRCh38, 1-based): chr8:143,925,127, A>T on the plus strand (T>A on the coding strand, the complement: PLEC is on the minus strand). VCF-style: chr8-143925127-A-T. GRCh37 (hg19) VCF-style: chr8-144999295-A-T.
Other names: c.4883T>A, p.Val1628Glu (NM_000445.5); c.4760T>A, p.Val1587Glu (NM_201378.4); c.4736T>A, p.Val1579Glu (NM_201379.3); c.5213T>A, p.Val1738Glu (NM_201380.4); c.4706T>A, p.Val1569Glu (NM_201381.3); c.4802T>A, p.Val1601Glu (NM_201382.4); c.4814T>A, p.Val1605Glu (NM_201383.3); short protein forms V1569E, V1579E, V1587E, V1601E, V1628E, V1605E, V1738E.
Identifiers: ClinVar variation 1415023 (VCV001415023.6), dbSNP rs2131455250, ClinGen allele CA372552865.

ClinVar aggregate classification (germline): Uncertain significance (1 of 4 stars; one submission).

Conditions:
Epidermolysis bullosa simplex 5B, with muscular dystrophy (EBS5B). Also called: EPIDERMOLYSIS BULLOSA SIMPLEX AND LIMB-GIRDLE MUSCULAR DYSTROPHY; Epidermolysis bullosa simplex with muscular dystrophy. Identifiers: Orphanet 257, MedGen C2931072, MONDO:0009181, OMIM 226670.
Epidermolysis bullosa simplex, Ogna type (EBS5A). Also called: EPIDERMOLYSIS BULLOSA SIMPLEX 5A, OGNA TYPE; Pidermolysis bullosa simplex 5A, Ogna type. Identifiers: Orphanet 79401, MedGen C0432317, MONDO:0007555, OMIM 131950.
Epidermolysis bullosa simplex with nail dystrophy (EBS5D). Identifiers: MedGen C4225309, MONDO:0014661, OMIM 616487.
Autosomal recessive limb-girdle muscular dystrophy type 2Q (LGMDR17). Also called: MUSCULAR DYSTROPHY, LIMB-GIRDLE, AUTOSOMAL RECESSIVE 17. Identifiers: Orphanet 254361, MedGen C3150989, MONDO:0013390, OMIM 613723.
Epidermolysis bullosa simplex 5C, with pyloric atresia (EBS5C). Also called: Epidermolysis bullosa simplex with pyloric atresia; PLEC-Related Epidermolysis Bullosa with Pyloric Atresia; PLEC1-Related Epidermolysis Bullosa with Pyloric Atresia. Identifiers: Orphanet 158684, MedGen C2677349, MONDO:0012807, OMIM 612138.

Submission:

Labcorp Genetics (formerly Invitae), Labcorp
Classification: Uncertain significance for Autosomal recessive limb-girdle muscular dystrophy type 2Q; Epidermolysis bullosa simplex, Ogna type; Epidermolysis bullosa simplex with nail dystrophy; Epidermolysis bullosa simplex 5C, with pyloric atresia; Epidermolysis bullosa simplex 5B, with muscular dystrophy. Last evaluated: 2021-11-13. Review status: criteria provided, single submitter. Criteria: Invitae Variant Classification Sherloc (09022015). Collection method: clinical testing. Allele origin: germline.
Comment: In summary, the available evidence is currently insufficient to determine the role of this variant in disease. Therefore, it has been classified as a Variant of Uncertain Significance. Algorithms developed to predict the effect of missense changes on protein structure and function are either unavailable or do not agree on the potential impact of this missense change (SIFT: "Tolerated"; PolyPhen-2: "Not Available"; Align-GVGD: "Class C0"). This variant has not been reported in the literature in individuals affected with PLEC-related conditions. This variant is not present in population databases (gnomAD no frequency). This sequence change replaces valine, which is neutral and non-polar, with glutamic acid, which is acidic and polar, at codon 1628 of the PLEC protein (p.Val1628Glu).